The following is an entry in ClinVar:

ClinVar aggregate classification (germline): Uncertain significance (1 of 4 stars; one submission).

Conditions:
Jeune thoracic dystrophy. Also called: Jeune syndrome; Infantile thoracic dystrophy; Thoracic pelvic phalangeal dystrophy; Jeune's syndrome; Chondroectodermal dysplasia-like syndrome; Short-rib thoracic dysplasia. Identifiers: Orphanet 474, MedGen C0265275, MONDO:0018770.
Nephronophthisis. Also called: Juvenile Nephronophthisis. Identifiers: Orphanet 655, MedGen C0687120, MONDO:0019005, HP:0000090.

Submission:

Labcorp Genetics (formerly Invitae), Labcorp
Classification: Uncertain significance for Jeune thoracic dystrophy; Nephronophthisis. Last evaluated: 2022-07-21. Review status: criteria provided, single submitter. Criteria: Invitae Variant Classification Sherloc (09022015). Collection method: clinical testing. Allele origin: germline.
Comment: This variant, c.3451_3453del, results in the deletion of 1 amino acid(s) of the TTC21B protein (p.Ala1151del), but otherwise preserves the integrity of the reading frame. This variant is present in population databases (rs758478193, gnomAD 0.01%). This variant has not been reported in the literature in individuals affected with TTC21B-related conditions. Experimental studies and prediction algorithms are not available or were not evaluated, and the functional significance of this variant is currently unknown. In summary, the available evidence is currently insufficient to determine the role of this variant in disease. Therefore, it has been classified as a Variant of Uncertain Significance.

NM_024753.5(TTC21B):c.3448GCA[1] (p.Ala1151del)

Gene: TTC21B (tetratricopeptide repeat domain 21B; minus strand). Cytogenetic location: 2q24.3.
Variant type: Microsatellite.
Coding change: c.3448GCA[1] on transcript NM_024753.5 (MANE Select); one copy of the 3-base unit GCA starting at c.3448; the reference has two copies in a row; one copy, 3 bases deleted.
Protein change: p.Ala1151del; deletes alanine 1151.
Molecular consequence: inframe deletion.
Genome position (GRCh38, 1-based): chr2:165,888,285-165,888,287, TGC deleted on the plus strand (GCA on the coding strand, the reverse complement: TTC21B is on the minus strand); deleting any 3 consecutive bases within chr2:165,888,285-165,888,291 gives the same sequence; the position shown is the placement nearest the transcript's 3' end. VCF-style (leftmost placement, unchanged base first): chr2-165888284-ATGC-A. GRCh37 (hg19) VCF-style: chr2-166744794-ATGC-A.
Other names: short protein forms A1151del.
Identifiers: ClinVar variation 1973568 (VCV001973568.2), dbSNP rs758478193, ClinGen allele CA1941511.